The following is an entry in ClinVar:

ClinVar aggregate classification (germline): Uncertain significance. Review status: criteria provided, multiple submitters, no conflicts (2 of 4 stars). 2 submissions from 2 submitters: Uncertain significance (2). Last evaluated 2025-04-17.

Conditions:
Inborn genetic diseases. Identifiers: MedGen C0950123, MeSH D030342.

gnomAD v4.1: 1 of 1,613,760 alleles (0.000062%); no homozygotes.

Submissions (2):

Ambry Genetics
Classification: Uncertain significance for Inborn genetic diseases. Last evaluated: 2025-04-17. Review status: criteria provided, single submitter. Criteria: Ambry Variant Classification Scheme 2023. Collection method: clinical testing. Allele origin: germline.

Labcorp Genetics (formerly Invitae), Labcorp
Classification: Uncertain significance. Last evaluated: 2024-04-30. Review status: criteria provided, single submitter. Criteria: Invitae Variant Classification Sherloc (09022015). Collection method: clinical testing. Allele origin: germline.
Comment: This sequence change replaces proline, which is neutral and non-polar, with serine, which is neutral and polar, at codon 2881 of the SRCAP protein (p.Pro2881Ser). This variant is not present in population databases (gnomAD no frequency). This variant has not been reported in the literature in individuals affected with SRCAP-related conditions. Advanced modeling of protein sequence and biophysical properties (such as structural, functional, and spatial information, amino acid conservation, physicochemical variation, residue mobility, and thermodynamic stability) performed at Invitae indicates that this missense variant is not expected to disrupt SRCAP protein function with a negative predictive value of 80%. In summary, the available evidence is currently insufficient to determine the role of this variant in disease. Therefore, it has been classified as a Variant of Uncertain Significance.

NM_006662.3(SRCAP):c.8641C>T (p.Pro2881Ser)

Gene: SRCAP (Snf2 related CREBBP activator protein; plus strand). Cytogenetic location: 16p11.2.
Variant type: single nucleotide variant.
Coding change: c.8641C>T on transcript NM_006662.3 (MANE Select); coding-DNA position 8641, C replaced by T.
Protein change: p.Pro2881Ser; replaces proline 2881 with serine.
Molecular consequence: missense variant.
Genome position (GRCh38, 1-based): chr16:30,738,681, C>T. VCF-style: chr16-30738681-C-T. GRCh37 (hg19) VCF-style: chr16-30750002-C-T.
Other names: c.8641C>T (NM_006662.2); short protein forms P2881S.
Identifiers: ClinVar variation 3607133 (VCV003607133.3).
Genomic context (GRCh38, chr16:30,738,681, plus strand): 5'-GGGAGGCCCCCCAAGAAGAACAGGTCTCCAGCAGATGCTGGGAGAGGTGTGGATGAGGCA[C>T]CCTCATCCACCTTGAAGGGAAAAACCAATGGGGCTGACCCAGTCCCTGGGCCTGAGACCC-3'
Protein context (NP_006653.2, residues 2871-2891): ADAGRGVDEA[Pro2881Ser]SSTLKGKTNG